The following is an entry in ClinVar:

ClinVar aggregate classification (germline): Uncertain significance. Review status: criteria provided, single submitter (1 of 4 stars). 2 submissions from 2 submitters: Uncertain significance (1). 1 of the submissions does not count toward it. Last evaluated 2025-05-11.

Conditions:
Autosomal recessive retinitis pigmentosa. Identifiers: MedGen C0339526.

Allele frequency attached by ClinVar (database versions not stated): TOPMed 0.00002; gnomAD 0.00003; ExAC 0.00005; 1000 Genomes Project 30x 0.00016; 1000 Genomes Project 0.00020.
gnomAD v4.1: 29 of 1,525,310 alleles (0.0019%); highest among the groups gnomAD compares: East Asian, 0.032%; no homozygotes.

Submissions (2):

Labcorp Genetics (formerly Invitae), Labcorp
Classification: Uncertain significance. Last evaluated: 2025-05-11. Review status: criteria provided, single submitter. Criteria: Invitae Variant Classification Sherloc (09022015). Collection method: clinical testing. Allele origin: germline.
Comment: This sequence change falls in intron 27 of the EYS gene. It does not directly change the encoded amino acid sequence of the EYS protein. This variant is present in population databases (rs569870900, gnomAD 0.02%). This variant has not been reported in the literature in individuals affected with EYS-related conditions. ClinVar contains an entry for this variant (Variation ID: 992117). Algorithms developed to predict the effect of sequence changes on RNA splicing suggest that this variant may disrupt the consensus splice site. In summary, the available evidence is currently insufficient to determine the role of this variant in disease. Therefore, it has been classified as a Variant of Uncertain Significance.

Natera, Inc.
Classification: Uncertain significance for Autosomal recessive retinitis pigmentosa. Last evaluated: 2020-08-31. Review status: no assertion criteria provided. Collection method: clinical testing. Allele origin: germline. Not counted in ClinVar's aggregate classification.

NM_001142800.2(EYS):c.5836-4A>G

Gene: EYS (EGF-like photoreceptor maintenance factor; minus strand). Cytogenetic location: 6q12.
Variant type: single nucleotide variant.
Coding change: c.5836-4A>G on transcript NM_001142800.2 (MANE Select); 4 bases into the intron before coding-DNA position 5836, A replaced by G.
Molecular consequence: intron variant.
Genome position (GRCh38, 1-based): chr6:64,436,269, T>C on the plus strand (A>G on the coding strand, the complement: EYS is on the minus strand). VCF-style: chr6-64436269-T-C. GRCh37 (hg19) VCF-style: chr6-65146162-T-C.
Other names: c.5836-4A>G (NM_001292009.2).
Identifiers: ClinVar variation 992117 (VCV000992117.5), dbSNP rs569870900, ClinGen allele CA3876971.